The following is an entry in ClinVar:

ClinVar aggregate classification (germline): Conflicting classifications of pathogenicity. Review status: criteria provided, conflicting classifications (1 of 4 stars). 4 submissions from 4 submitters: Uncertain significance (1); Benign (2); Likely benign (1). Last evaluated 2026-09-01.

Conditions:
Inborn genetic diseases. Identifiers: MedGen C0950123, MeSH D030342.
Early-infantile DEE. Also called: Early infantile epileptic encephalopathy with suppression bursts; Early infantile epileptic encephalopathy; Ohtahara syndrome. Identifiers: Orphanet 1934, MedGen C0393706, MONDO:0800491.

Allele frequency attached by ClinVar (database versions not stated): gnomAD exomes 0.00018 and 0.00051; ExAC 0.00060; gnomAD 0.00173 and 0.00188; 1000 Genomes Project 0.00180; TOPMed 0.00194; 1000 Genomes Project 30x 0.00203; ESP Exome Variant Server 0.00238.
gnomAD v4.1: 544 of 1,614,210 alleles (0.034%); highest among the groups gnomAD compares: African/African-American, 0.55%; 1 homozygote.

Submissions (4):

CeGaT Center for Human Genetics Tuebingen
Classification: Likely benign. Last evaluated: 2026-09-01. Review status: criteria provided, single submitter. Criteria: CeGaT Center For Human Genetics Tuebingen Variant Classification Criteria Version 2. Collection method: clinical testing. Allele origin: germline. Affected: yes. Observed: 1 variant allele.
Comment: KCNH5: BS1

Labcorp Genetics (formerly Invitae), Labcorp
Classification: Benign for Early-infantile DEE. Last evaluated: 2026-01-31. Review status: criteria provided, single submitter. Criteria: Invitae Variant Classification Sherloc (09022015). Collection method: clinical testing. Allele origin: germline.

Ambry Genetics
Classification: Uncertain significance for Inborn genetic diseases. Last evaluated: 2025-02-18. Review status: criteria provided, single submitter. Criteria: Ambry Variant Classification Scheme 2023. Collection method: clinical testing. Allele origin: germline.

Breakthrough Genomics
Classification: Benign. Review status: criteria provided, single submitter. Criteria: ACMG Guidelines, 2015. Collection method: not provided. Allele origin: germline. Inheritance: Unknown mechanism. Affected: yes.

NM_139318.5(KCNH5):c.2315A>G (p.Glu772Gly)

Gene: KCNH5 (potassium voltage-gated channel subfamily H member 5; minus strand). Cytogenetic location: 14q23.2.
Variant type: single nucleotide variant.
Coding change: c.2315A>G on transcript NM_139318.5 (MANE Select); coding-DNA position 2315, A replaced by G.
Protein change: p.Glu772Gly; replaces glutamic acid 772 with glycine.
Molecular consequence: missense variant. On other transcripts: 3 prime UTR variant (1).
Genome position (GRCh38, 1-based): chr14:62,708,160, T>C on the plus strand (A>G on the coding strand, the complement: KCNH5 is on the minus strand). VCF-style: chr14-62708160-T-C. GRCh37 (hg19) VCF-style: chr14-63174878-T-C.
Other names: c.*282A>G (NM_172375.3); c.2315A>G (NM_139318.3); short protein forms E772G.
Identifiers: ClinVar variation 416117 (VCV000416117.16), dbSNP rs79913182, ClinGen allele CA7217276.